The following is an entry in ClinVar:

NM_001367624.2(ZNF469):c.11192G>A (p.Ser3731Asn)

Gene: ZNF469 (zinc finger protein 469; plus strand). Cytogenetic location: 16q24.2.
Variant type: single nucleotide variant.
Coding change: c.11192G>A on transcript NM_001367624.2 (MANE Select); coding-DNA position 11192, G replaced by A.
Protein change: p.Ser3731Asn; replaces serine 3731 with asparagine.
Molecular consequence: missense variant.
Genome position (GRCh38, 1-based): chr16:88,438,662, G>A. VCF-style: chr16-88438662-G-A. GRCh37 (hg19) VCF-style: chr16-88505070-G-A.
Other names: short protein forms S3731N.
Identifiers: ClinVar variation 3618585 (VCV003618585.2).

ClinVar aggregate classification (germline): Uncertain significance (1 of 4 stars; one submission).

gnomAD v4.1: 10 of 1,549,956 alleles (0.00065%); highest among the groups gnomAD compares: African/African-American, 0.012%; no homozygotes.

Submission:

Labcorp Genetics (formerly Invitae), Labcorp
Classification: Uncertain significance. Last evaluated: 2024-09-14. Review status: criteria provided, single submitter. Criteria: Invitae Variant Classification Sherloc (09022015). Collection method: clinical testing. Allele origin: germline.
Comment: This sequence change replaces serine, which is neutral and polar, with asparagine, which is neutral and polar, at codon 3703 of the ZNF469 protein (p.Ser3703Asn). This variant is present in population databases (no rsID available, gnomAD 0.03%). This variant has not been reported in the literature in individuals affected with ZNF469-related conditions. An algorithm developed to predict the effect of missense changes on protein structure and function outputs the following: PolyPhen-2: "Benign". The asparagine amino acid residue is found in multiple mammalian species, which suggests that this missense change does not adversely affect protein function. In summary, the available evidence is currently insufficient to determine the role of this variant in disease. Therefore, it has been classified as a Variant of Uncertain Significance.